The following is an entry in ClinVar:

ClinVar aggregate classification (germline): Uncertain significance (1 of 4 stars; one submission).

Conditions:
Muscular dystrophy-dystroglycanopathy (congenital with brain and eye anomalies), type A, 7. Also called: WALKER-WARBURG SYNDROME OR MUSCLE-EYE-BRAIN DISEASE, ISPD-RELATED; Congenital muscular dystrophy-dystroglycanopathy with brain and eye anomalies, type A7. Identifiers: Orphanet 899, MedGen C3553330, MONDO:0013835, OMIM 614643.
Autosomal recessive limb-girdle muscular dystrophy type 2U. Also called: Muscular dystrophy-dystroglycanopathy (limb-girdle), type c, 7; MUSCULAR DYSTROPHY, LIMB-GIRDLE, TYPE 2U. Identifiers: Orphanet 352479, MedGen C5190987, MONDO:0014474, OMIM 616052.

Allele frequency attached by ClinVar (database versions not stated): gnomAD exomes 0.00001.
gnomAD v4.1: 3 of 1,604,796 alleles (0.00019%); highest among the groups gnomAD compares: Admixed American, 0.0051%; no homozygotes.

Submission:

Labcorp Genetics (formerly Invitae), Labcorp
Classification: Uncertain significance for Muscular dystrophy-dystroglycanopathy (congenital with brain and eye anomalies), type A, 7; Autosomal recessive limb-girdle muscular dystrophy type 2U. Last evaluated: 2021-08-15. Review status: criteria provided, single submitter. Criteria: Invitae Variant Classification Sherloc (09022015). Collection method: clinical testing. Allele origin: germline.
Comment: Algorithms developed to predict the effect of missense changes on protein structure and function (SIFT, PolyPhen-2, Align-GVGD) all suggest that this variant is likely to be disruptive. This variant has not been reported in the literature in individuals affected with ISPD-related conditions. This variant is not present in population databases (ExAC no frequency). This sequence change replaces aspartic acid with histidine at codon 220 of the ISPD protein (p.Asp220His). The aspartic acid residue is highly conserved and there is a moderate physicochemical difference between aspartic acid and histidine. In summary, the available evidence is currently insufficient to determine the role of this variant in disease. Therefore, it has been classified as a Variant of Uncertain Significance.

NM_001101426.4(CRPPA):c.658G>C (p.Asp220His)

Gene: CRPPA (CDP-L-ribitol pyrophosphorylase A; minus strand). Cytogenetic location: 7p21.2.
Variant type: single nucleotide variant.
Coding change: c.658G>C on transcript NM_001101426.4 (MANE Select); coding-DNA position 658, G replaced by C.
Protein change: p.Asp220His; replaces aspartic acid 220 with histidine.
Molecular consequence: missense variant. On other transcripts: non-coding transcript variant (1), intron variant (1).
Genome position (GRCh38, 1-based): chr7:16,376,118, C>G on the plus strand (G>C on the coding strand, the complement: CRPPA is on the minus strand). VCF-style: chr7-16376118-C-G. GRCh37 (hg19) VCF-style: chr7-16415743-C-G.
Other names: c.658G>C, p.Asp220His (NM_001368197.1); c.534+29943G>C (NM_001101417.4); short protein forms D220H.
Identifiers: ClinVar variation 1680778 (VCV001680778.6), dbSNP rs1210618248, ClinGen allele CA367001939.